The following is an entry in ClinVar:

ClinVar aggregate classification (germline): Conflicting classifications of pathogenicity. Review status: criteria provided, conflicting classifications (1 of 4 stars). 5 submissions from 5 submitters: Uncertain significance (3); Benign (2). Last evaluated 2026-02-03.

Conditions:
Colorectal cancer. Also called: Colorectal cancer, somatic; Malignant Colorectal Neoplasm. Identifiers: MedGen C0346629, MONDO:0005575, OMIM 114500.
Hereditary cancer-predisposing syndrome. Also called: Hereditary Cancer Syndrome; Hereditary neoplastic syndrome; Neoplastic Syndromes, Hereditary; Tumor predisposition. Identifiers: Orphanet 140162, MedGen C0027672, MeSH D009386, MONDO:0015356.
Ovarian cancer. Also called: OVARIAN CANCER, SOMATIC. Identifiers: Orphanet 213500, MedGen C1140680, MONDO:0008170, OMIM 167000.
Oligodontia-cancer predisposition syndrome. Also called: TOOTH AGENESIS-COLORECTAL CANCER SYNDROME. Identifiers: Orphanet 300576, MedGen C1837750, MONDO:0012075, OMIM 608615. Disease mechanism: loss of function.

Allele frequency attached by ClinVar (database versions not stated): gnomAD 0.00001; TOPMed 0.00002; 1000 Genomes Project 30x 0.00016; 1000 Genomes Project 0.00020.

Submissions (5):

Labcorp Genetics (formerly Invitae), Labcorp
Classification: Uncertain significance for Oligodontia-cancer predisposition syndrome. Last evaluated: 2026-02-03. Review status: criteria provided, single submitter. Criteria: Invitae Variant Classification Sherloc (09022015). Collection method: clinical testing. Allele origin: germline.
Comment: This sequence change replaces serine, which is neutral and polar, with asparagine, which is neutral and polar, at codon 430 of the AXIN2 protein (p.Ser430Asn). This variant is present in population databases (rs202215840, gnomAD 0.07%), and has an allele count higher than expected for a pathogenic variant. This variant has not been reported in the literature in individuals affected with AXIN2-related conditions. ClinVar contains an entry for this variant (Variation ID: 408849). Invitae Evidence Modeling of protein sequence and biophysical properties (such as structural, functional, and spatial information, amino acid conservation, physicochemical variation, residue mobility, and thermodynamic stability) indicates that this missense variant is not expected to disrupt AXIN2 protein function with a negative predictive value of 80%. In summary, the available evidence is currently insufficient to determine the role of this variant in disease. Therefore, it has been classified as a Variant of Uncertain Significance.

Ambry Genetics
Classification: Benign for Hereditary cancer-predisposing syndrome. Last evaluated: 2024-08-29. Review status: criteria provided, single submitter. Criteria: Ambry Variant Classification Scheme 2023. Collection method: clinical testing. Allele origin: germline.

Baylor Genetics
Classification: Uncertain significance for Colorectal cancer. Last evaluated: 2024-01-17. Review status: criteria provided, single submitter. Criteria: ACMG Guidelines, 2015. Collection method: clinical testing. Allele origin: unknown.

GeneDx
Classification: Uncertain significance. Last evaluated: 2023-07-27. Review status: criteria provided, single submitter. Criteria: GeneDx Variant Classification Process June 2021. Collection method: clinical testing. Allele origin: germline. Affected: yes.
Comment: In silico analysis supports that this missense variant does not alter protein structure/function; Has not been previously published as pathogenic or benign to our knowledge; This variant is associated with the following publications: (PMID: 15735151)

Laboratory of Molecular Epidemiology of Birth Defects, West China Second University Hospital, Sichuan University
Classification: Benign for Ovarian cancer. Last evaluated: 2022-01-01. Review status: criteria provided, single submitter. Criteria: ACMG Guidelines, 2015. Collection method: clinical testing. Allele origin: germline. Affected: yes.

NM_004655.4(AXIN2):c.1289G>A (p.Ser430Asn)

Gene: AXIN2 (axin 2; minus strand). Cytogenetic location: 17q24.1.
Variant type: single nucleotide variant.
Coding change: c.1289G>A on transcript NM_004655.4 (MANE Select); coding-DNA position 1289, G replaced by A.
Protein change: p.Ser430Asn; replaces serine 430 with asparagine.
Molecular consequence: missense variant.
Genome position (GRCh38, 1-based): chr17:65,537,747, C>T on the plus strand (G>A on the coding strand, the complement: AXIN2 is on the minus strand). VCF-style: chr17-65537747-C-T. GRCh37 (hg19) VCF-style: chr17-63533865-C-T.
Other names: c.1289G>A (LRG_296t1); c.1289G>A, p.Ser430Asn (NM_001363813.1); short protein forms S430N.
Identifiers: ClinVar variation 408849 (VCV000408849.18), dbSNP rs202215840, ClinGen allele CA8718684.
Genomic context (GRCh38, chr17:65,537,747, plus strand): 5'-GGGGTCTTGAGGACCCTGGACAGGTGATCGTCCAGTATCGTCTGCGGGTCTTCCTCGTAG[C>T]TGCCGGAGGGCAGTAGGGAGAGGGGGTGCTGCGTGGGCGCCCCCTCCCGCGAATTGAGTG-3'
Protein context (NP_004646.3, residues 420-440): QHPLSLLPSG[Ser430Asn]YEEDPQTILD